The following is an entry in ClinVar:

NM_000157.4(GBA1):c.344del (p.Gln115fs)

Genes: GBA1 (glucosylceramidase beta 1; minus strand), LOC106627981 (GBA recombination region; plus strand). Cytogenetic location: 1q22.
Variant type: Deletion.
Coding change: c.344del on transcript NM_000157.4 (MANE Select); coding-DNA position 344, one base deleted (A; older notation c.344delA).
Protein change: p.Gln115fs; shifts the reading frame from glutamine 115.
Molecular consequence: frameshift variant. On other transcripts: intron variant (1).
Genome position (GRCh38, 1-based): chr1:155,239,726, T deleted on the plus strand (A on the coding strand, the reverse complement: GBA1 is on the minus strand). VCF-style (leftmost placement, unchanged base first): chr1-155239725-CT-C. GRCh37 (hg19) VCF-style: chr1-155209516-CT-C.
Other names: c.344del, p.Gln115fs (NM_001005742.3, NM_001005741.3); c.83del, p.Gln28fs (NM_001171811.2); c.307+160del (NM_001171812.2); short protein forms Q115fs, Q28fs.
Identifiers: ClinVar variation 4817754 (VCV004817754.1).

ClinVar aggregate classification (germline): Pathogenic (1 of 4 stars; one submission).

Conditions:
Gaucher disease. Also called: Acute cerebral Gaucher disease; Cerebroside lipidosis syndrome; Gaucher splenomegaly; Sphingolipidosis 1; Glucocerebrosidosis; Glucosylceramidase deficiency. Identifiers: Orphanet 355, MedGen C0017205, MONDO:0018150.

Submission:

Natera, Inc.
Classification: Pathogenic for Gaucher disease. Last evaluated: 2024-03-01. Review status: criteria provided, single submitter. Criteria: Natera Variant Classification Schema (03/2026). Collection method: clinical testing. Allele origin: germline.
Comment: The c.344delA variant in GBA1 is a frameshift variant predicted to shift the reading frame beginning at codon 115 and leads to a stop codon 3 codons downstream. This variant is expected to result in nonsense mediated decay, truncation, or a dysfunctional protein product. This variant is rare in the general population with a frequency below the threshold expected for the associated phenotype(s). This variant has been observed in one or more individuals affected with the associated recessive disease, as either homozygous or compound heterozygous with a second variant (PMID: 31707742). Given the available evidence, this variant is classified as Pathogenic.

Literature cited by the submitters: PubMed 31707742.